The following is an entry in ClinVar:

ClinVar aggregate classification (germline): Likely benign. Review status: criteria provided, multiple submitters, no conflicts (2 of 4 stars). 2 submissions from 2 submitters: Likely benign (2). Last evaluated 2025-12-08.

Conditions:
Peutz-Jeghers syndrome (PJS). Also called: POLYPOSIS, HAMARTOMATOUS INTESTINAL; POLYPS-AND-SPOTS SYNDROME; Peutz-Jeghers polyposis; Periorificial lentiginosis syndrome. Identifiers: Orphanet 2869, MedGen C0031269, MeSH D010580, MONDO:0008280, OMIM 175200.

Submissions (2):

Labcorp Genetics (formerly Invitae), Labcorp
Classification: Likely benign for Peutz-Jeghers syndrome. Last evaluated: 2025-12-08. Review status: criteria provided, single submitter. Criteria: Invitae Variant Classification Sherloc (09022015). Collection method: clinical testing. Allele origin: germline.

Myriad Genetics, Inc.
Classification: Likely benign for Peutz-Jeghers syndrome. Last evaluated: 2025-03-28. Review status: criteria provided, single submitter. Criteria: Myriad Autosomal Dominant, Autosomal Recessive and X-Linked Classification Criteria (2023). Collection method: clinical testing. Allele origin: unknown.
Comment: This variant is considered likely benign. This variant is intronic and is not expected to impact mRNA splicing.

NM_000455.5(STK11):c.1109-14_1109-11dup

Gene: STK11 (serine/threonine kinase 11; plus strand). Cytogenetic location: 19p13.3.
Variant type: Duplication.
Coding change: c.1109-14_1109-11dup on transcript NM_000455.5 (MANE Select); 14 bases into the intron before coding-DNA position 1109 through 11 bases into the intron before coding-DNA position 1109, 4 bases duplicated (CGTC; older notation c.1109-14_1109-11dupCGTC).
Molecular consequence: intron variant.
Genome position (GRCh38, 1-based): chr19:1,226,440-1,226,443, CGTC duplicated; duplicating any 4 consecutive bases within chr19:1,226,439-1,226,443 gives the same sequence; the c. name uses the placement nearest the transcript's 3' end. VCF-style (leftmost placement, unchanged base first): chr19-1226438-G-GCCGT. GRCh37 (hg19) VCF-style: chr19-1226437-G-GCCGT.
Identifiers: ClinVar variation 1660193 (VCV001660193.9), dbSNP rs2145435742, ClinGen allele CA2573155782.